The following is an entry in ClinVar:

NM_133433.4(NIPBL):c.7220G>A (p.Arg2407Gln)

Gene: NIPBL (NIPBL cohesin loading factor; plus strand). Cytogenetic location: 5p13.2.
Variant type: single nucleotide variant.
Coding change: c.7220G>A on transcript NM_133433.4 (MANE Select); coding-DNA position 7220, G replaced by A.
Protein change: p.Arg2407Gln; replaces arginine 2407 with glutamine.
Molecular consequence: missense variant.
Genome position (GRCh38, 1-based): chr5:37,052,523, G>A. VCF-style: chr5-37052523-G-A. GRCh37 (hg19) VCF-style: chr5-37052625-G-A.
Other names: c.7220G>A, p.Arg2407Gln (NM_015384.5); short protein forms R2407Q.
Identifiers: ClinVar variation 2632493 (VCV002632493.3), dbSNP rs1753675449, ClinGen allele CA359511882.

ClinVar aggregate classification (germline): Uncertain significance (0 of 4 stars; one submission).

Conditions:
NIPBL-related disorder. Also called: NIPBL-related condition.

Allele frequency attached by ClinVar (database versions not stated): TOPMed below 0.00001.

Submission:

PreventionGenetics, part of Exact Sciences
Classification: Uncertain significance for NIPBL-related condition. Last evaluated: 2023-11-07. Review status: no assertion criteria provided. Collection method: clinical testing. Allele origin: germline.
Comment: The NIPBL c.7220G>A variant is predicted to result in the amino acid substitution p.Arg2407Gln. This variant has been reported in an individual from a cohort of patients with Cornelia de Lange syndrome (Table S1, Levy et al. 2022. PubMed ID: 35904121). This variant has not been reported in a large population database, indicating this variant is rare. An alternate missense variant at the same amino acid position was reported in a patient suspected to have CdLS, however no additional studies were done to assess its pathogenicity (p.Arg2407Pro; Ansari et al. 2014. PubMed ID: 25125236). At this time, the clinical significance of this variant is uncertain due to the absence of conclusive functional and genetic evidence.